The following is an entry in ClinVar:

ClinVar aggregate classification (germline): Likely benign (1 of 4 stars; one submission).

Submission:

CeGaT Center for Human Genetics Tuebingen
Classification: Likely benign. Last evaluated: 2025-12-01. Review status: criteria provided, single submitter. Criteria: CeGaT Center For Human Genetics Tuebingen Variant Classification Criteria Version 2. Collection method: clinical testing. Allele origin: germline. Affected: yes. Observed: 1 variant allele.
Comment: SPEF2: BP4, BP7

NM_024867.4(SPEF2):c.2448A>G (p.Val816=)

Gene: SPEF2 (sperm flagellar and cilia associated 2; plus strand). Cytogenetic location: 5p13.2.
Variant type: single nucleotide variant.
Coding change: c.2448A>G on transcript NM_024867.4 (MANE Select); coding-DNA position 2448, A replaced by G.
Protein change: p.Val816=; no amino-acid change (valine 816 retained).
Molecular consequence: synonymous variant.
Genome position (GRCh38, 1-based): chr5:35,704,603, A>G. VCF-style: chr5-35704603-A-G. GRCh37 (hg19) VCF-style: chr5-35704705-A-G.
Identifiers: ClinVar variation 4681836 (VCV004681836.5).